The following is an entry in ClinVar:

NM_198253.3(TERT):c.2131-5C>A

Gene: TERT (telomerase reverse transcriptase; minus strand). Cytogenetic location: 5p15.33.
Variant type: single nucleotide variant.
Coding change: c.2131-5C>A on transcript NM_198253.3 (MANE Select); 5 bases into the intron before coding-DNA position 2131, C replaced by A.
Molecular consequence: intron variant.
Genome position (GRCh38, 1-based): chr5:1,278,801, G>T on the plus strand (C>A on the coding strand, the complement: TERT is on the minus strand). VCF-style: chr5-1278801-G-T. GRCh37 (hg19) VCF-style: chr5-1278916-G-T.
Other names: c.2131-5C>A (NM_198253.2, NM_001193376.3).
Identifiers: ClinVar variation 1100797 (VCV001100797.10), dbSNP rs1749799813, ClinGen allele CA1072494478.
Genomic context (GRCh38, chr5:1,278,801, plus strand): 5'-ATGACCTCCGTGAGCCTGTCCTGGGGGATGGTGTCGTACGCGCCCGTCACATCCACCTGT[G>T]TGAGTGGAGGCGAGGAGACTGACAGTGGCCACGCAGAAACTCAGACATCACCTCTGCCCT-3'

ClinVar aggregate classification (germline): Conflicting classifications of pathogenicity. Review status: criteria provided, conflicting classifications (1 of 4 stars). 2 submissions from 2 submitters: Uncertain significance (1); Likely benign (1). Last evaluated 2025-05-25.

Conditions:
Idiopathic Pulmonary Fibrosis. Also called: Idiopathic fibrosing alveolitis, chronic form; idiopathic fibrosing alveolitis. Identifiers: Orphanet 2032, MedGen C1800706, MeSH D054990, MONDO:0800504.
Dyskeratosis congenita, autosomal dominant 2. Identifiers: MedGen C3151443, MONDO:0013521, OMIM 613989.
Dyskeratosis congenita. Identifiers: Orphanet 1775, MedGen C0265965, MONDO:0015780.

Allele frequency attached by ClinVar (database versions not stated): gnomAD 0.00001; TOPMed 0.00002.
gnomAD v4.1: 1 of 1,613,674 alleles (0.000062%); highest among the groups gnomAD compares: Admixed American, 0.0017%; no homozygotes.

Submissions (2):

Ambry Genetics
Classification: Uncertain significance for Dyskeratosis congenita. Last evaluated: 2025-05-25. Review status: criteria provided, single submitter. Criteria: Ambry Variant Classification Scheme 2023. Collection method: clinical testing. Allele origin: germline.
Comment: The c.2131-5C>A intronic variant results from a C to A substitution 5 nucleotides upstream from coding exon 6 in the TERT gene. This nucleotide position is not well conserved in available vertebrate species. In silico splice site analysis predicts that this alteration will not have any significant effect on splicing. Based on the available evidence, the clinical significance of this variant remains unclear.

Labcorp Genetics (formerly Invitae), Labcorp
Classification: Likely benign for Dyskeratosis congenita, autosomal dominant 2; Idiopathic Pulmonary Fibrosis. Last evaluated: 2024-02-20. Review status: criteria provided, single submitter. Criteria: Invitae Variant Classification Sherloc (09022015). Collection method: clinical testing. Allele origin: germline.